The following is an entry in ClinVar:

NM_001206999.2(CIT):c.4812C>T (p.Val1604=)

Gene: CIT (citron rho-interacting serine/threonine kinase; minus strand). Cytogenetic location: 12q24.23.
Variant type: single nucleotide variant.
Coding change: c.4812C>T on transcript NM_001206999.2 (MANE Select); coding-DNA position 4812, C replaced by T.
Protein change: p.Val1604=; no amino-acid change (valine 1604 retained).
Molecular consequence: synonymous variant.
Genome position (GRCh38, 1-based): chr12:119,712,220, G>A on the plus strand (C>T on the coding strand, the complement: CIT is on the minus strand). VCF-style: chr12-119712220-G-A. GRCh37 (hg19) VCF-style: chr12-120150025-G-A.
Other names: c.4686C>T, p.Val1562= (NM_007174.3).
Identifiers: ClinVar variation 2643384 (VCV002643384.27), dbSNP rs146815718, ClinGen allele CA6821109.
Genomic context (GRCh38, chr12:119,712,220, plus strand): 5'-GCCCGCTTTCATACTCACAGCATCAGCTTCTGCTTTTTCCCTAGAAACTCTCCCACCTGC[G>A]ACAACTGATTCTAAGGCGGTGACCCAGCGCTGTTTGTCAGGGAAGCTGGGAGCTAGCAAG-3'
Protein context (NP_001193928.1, residues 1594-1614): QRWVTALESV[Val1604=]AGGRVSREKA

ClinVar aggregate classification (germline): Likely benign. Review status: criteria provided, multiple submitters, no conflicts (2 of 4 stars). 2 submissions from 2 submitters: Likely benign (2). Last evaluated 2023-11-14.

Allele frequency attached by ClinVar (database versions not stated): gnomAD exomes 0.00005; ESP Exome Variant Server 0.00008; ExAC 0.00011; gnomAD 0.00011; TOPMed 0.00011; 1000 Genomes Project 0.00020; 1000 Genomes Project 30x 0.00031.
gnomAD v4.1: 103 of 1,611,158 alleles (0.0064%); highest among the groups gnomAD compares: Admixed American, 0.074%; no homozygotes.

Submissions (2):

Labcorp Genetics (formerly Invitae), Labcorp
Classification: Likely benign. Last evaluated: 2023-11-14. Review status: criteria provided, single submitter. Criteria: Invitae Variant Classification Sherloc (09022015). Collection method: clinical testing. Allele origin: germline.

CeGaT Center for Human Genetics Tuebingen
Classification: Likely benign. Last evaluated: 2022-03-01. Review status: criteria provided, single submitter. Criteria: CeGaT Center For Human Genetics Tuebingen Variant Classification Criteria Version 2. Collection method: clinical testing. Allele origin: germline. Affected: yes. Observed: 1 variant allele.
Comment: CIT: BP4, BP7